The following is an entry in ClinVar:

ClinVar aggregate classification (germline): Pathogenic (1 of 4 stars; one submission).

Conditions:
Ehlers-Danlos syndrome due to tenascin-X deficiency (EDSCLL1). Also called: TNX DEFICIENCY; EDS DUE TO TNX DEFICIENCY; EHLERS-DANLOS SYNDROME, CLASSIC-LIKE; Ehlers-Danlos syndrome, classic-like, 1; TNXB-Related Classical-Like Ehlers-Danlos Syndrome. Identifiers: Orphanet 230839, MedGen C1848029, MONDO:0011670, OMIM 606408.

Submission:

Myriad Genetics, Inc.
Classification: Pathogenic for Ehlers-Danlos syndrome due to tenascin-X deficiency. Last evaluated: 2025-09-08. Review status: criteria provided, single submitter. Criteria: Myriad Autosomal Dominant, Autosomal Recessive and X-Linked Classification Criteria (2023). Collection method: clinical testing. Allele origin: unknown.
Comment: NM_019105.6(TNXB):c.3246G>A(W1082*) is a nonsense variant classified as pathogenic in the context of classical-like Ehlers-Danlos syndrome, TNXB-related. W1082* has not been observed in cases with relevant disease. Relevant functional assessments of this variant are not available in the literature. W1082* has not been observed in referenced population frequency databases. In summary, NM_019105.6(TNXB):c.3246G>A(W1082*) is a nonsense variant in a gene where loss of function is a known mechanism of disease and is predicted to disrupt protein function. Please note: this variant was assessed in the context of healthy population screening.

NM_001365276.2(TNXB):c.3246G>A (p.Trp1082Ter)

Gene: TNXB (tenascin XB; minus strand). Cytogenetic location: 6p21.33.
Variant type: single nucleotide variant.
Coding change: c.3246G>A on transcript NM_001365276.2 (MANE Select); coding-DNA position 3246, G replaced by A.
Protein change: p.Trp1082Ter; replaces tryptophan 1082 with a stop codon.
Molecular consequence: nonsense.
Genome position (GRCh38, 1-based): chr6:32,084,612, C>T on the plus strand (G>A on the coding strand, the complement: TNXB is on the minus strand). VCF-style: chr6-32084612-C-T. GRCh37 (hg19) VCF-style: chr6-32052389-C-T.
Other names: c.3987G>A, p.Trp1329Ter (NM_001428335.1); c.3246G>A, p.Trp1082Ter (NM_019105.8); short protein forms W1082*, W1329*.
Identifiers: ClinVar variation 5004153 (VCV005004153.1).
Genomic context (GRCh38, chr6:32,084,612, plus strand): 5'-CTGCCCGTCCCTGTCTTTGTACTGGATCACGAAGGAGTCAAACTCGCCCTCGGGGACCGT[C>T]CAGCGCAGGAGCAAGGAGTCGGAGGTCCTGTCTGTCACCGTCAGCTCACCCAGGCGTGGT-3'